The following is an entry in ClinVar:

ClinVar aggregate classification (germline): Likely benign. Review status: criteria provided, single submitter (1 of 4 stars). 2 submissions from 2 submitters: Likely benign (1). 1 of the submissions does not count toward it. Last evaluated 2023-11-17.

Conditions:
PCNT-related disorder. Also called: PCNT-related condition.

gnomAD v4.1: 37 of 1,592,026 alleles (0.0023%); highest among the groups gnomAD compares: Non-Finnish European, 0.0027%; no homozygotes.

Submissions (2):

Labcorp Genetics (formerly Invitae), Labcorp
Classification: Likely benign. Last evaluated: 2023-11-17. Review status: criteria provided, single submitter. Criteria: Invitae Variant Classification Sherloc (09022015). Collection method: clinical testing. Allele origin: germline.

PreventionGenetics, part of Exact Sciences
Classification: Likely benign for PCNT-related condition. Last evaluated: 2022-08-29. Review status: no assertion criteria provided. Collection method: clinical testing. Allele origin: germline. Not counted in ClinVar's aggregate classification.
Comment: This variant is classified as likely benign based on ACMG/AMP sequence variant interpretation guidelines (Richards et al. 2015 PMID: 25741868, with internal and published modifications).

NM_006031.6(PCNT):c.721-7G>C

Gene: PCNT (pericentrin; plus strand). Cytogenetic location: 21q22.3.
Variant type: single nucleotide variant.
Coding change: c.721-7G>C on transcript NM_006031.6 (MANE Select); 7 bases into the intron before coding-DNA position 721, G replaced by C.
Molecular consequence: intron variant.
Genome position (GRCh38, 1-based): chr21:46,346,736, G>C. VCF-style: chr21-46346736-G-C. GRCh37 (hg19) VCF-style: chr21-47766650-G-C.
Other names: c.721-7G>C (NM_006031.5); c.367-7G>C (NM_001315529.2).
Identifiers: ClinVar variation 2962910 (VCV002962910.5), dbSNP rs2839217, ClinGen allele CA638499228.